The following is an entry in ClinVar:

NM_001267550.2(TTN):c.36402A>C (p.Lys12134Asn)

Gene: TTN (titin; minus strand). Cytogenetic location: 2q31.2.
Variant type: single nucleotide variant.
Coding change: c.36402A>C on transcript NM_001267550.2 (MANE Select); coding-DNA position 36402, A replaced by C.
Protein change: p.Lys12134Asn; replaces lysine 12134 with asparagine.
Molecular consequence: missense variant. On other transcripts: intron variant (5).
Genome position (GRCh38, 1-based): chr2:178,663,865, T>G on the plus strand (A>C on the coding strand, the complement: TTN is on the minus strand). VCF-style: chr2-178663865-T-G. GRCh37 (hg19) VCF-style: chr2-179528592-T-G.
Other names: c.13283-21548A>C (NM_003319.4); c.13859-21548A>C (NM_133437.4); c.13658-21548A>C (NM_133432.3); c.31484-810A>C (NM_133378.4); c.34265-810A>C (NM_001256850.1); short protein forms K12134N.
Identifiers: ClinVar variation 5041814 (VCV005041814.1).

ClinVar aggregate classification (germline): Uncertain significance (1 of 4 stars; one submission).

Submission:

CeGaT Center for Human Genetics Tuebingen
Classification: Uncertain significance. Last evaluated: 2026-09-01. Review status: criteria provided, single submitter. Criteria: CeGaT Center For Human Genetics Tuebingen Variant Classification Criteria Version 2. Collection method: clinical testing. Allele origin: germline. Affected: yes. Observed: 1 variant allele.
Comment: TTN: PM2, BP4